The following is an entry in ClinVar:

NM_003289.4(TPM2):c.713G>T (p.Arg238Leu)

Gene: TPM2 (tropomyosin 2; minus strand). Cytogenetic location: 9p13.3.
Variant type: single nucleotide variant.
Coding change: c.713G>T on transcript NM_003289.4 (MANE Select); coding-DNA position 713, G replaced by T.
Protein change: p.Arg238Leu; replaces arginine 238 with leucine.
Molecular consequence: missense variant.
Genome position (GRCh38, 1-based): chr9:35,684,305, C>A on the plus strand (G>T on the coding strand, the complement: TPM2 is on the minus strand). VCF-style: chr9-35684305-C-A. GRCh37 (hg19) VCF-style: chr9-35684302-C-A.
Other names: c.713G>T, p.Arg238Leu (NM_001301226.2, NM_001301227.2, NM_213674.1); short protein forms R238L.
Identifiers: ClinVar variation 444769 (VCV000444769.43), dbSNP rs778378238, ClinGen allele CA373364241.

ClinVar aggregate classification (germline): Uncertain significance (1 of 4 stars; one submission).

Submission:

CeGaT Center for Human Genetics Tuebingen
Classification: Uncertain significance. Last evaluated: 2022-03-01. Review status: criteria provided, single submitter. Criteria: CeGaT Center For Human Genetics Tuebingen Variant Classification Criteria Version 2. Collection method: clinical testing. Allele origin: germline. Affected: yes. Observed: 3 variant alleles.
Comment: TPM2: PM2, PM6, PP3